The following is an entry in ClinVar:

NM_147127.5(EVC2):c.2614C>T (p.Arg872Trp)

Gene: EVC2 (EvC ciliary complex subunit 2; minus strand). Cytogenetic location: 4p16.2.
Variant type: single nucleotide variant.
Coding change: c.2614C>T on transcript NM_147127.5 (MANE Select); coding-DNA position 2614, C replaced by T.
Protein change: p.Arg872Trp; replaces arginine 872 with tryptophan.
Molecular consequence: missense variant.
Genome position (GRCh38, 1-based): chr4:5,618,570, G>A on the plus strand (C>T on the coding strand, the complement: EVC2 is on the minus strand). VCF-style: chr4-5618570-G-A. GRCh37 (hg19) VCF-style: chr4-5620297-G-A.
Other names: c.2374C>T, p.Arg792Trp (NM_001166136.2); short protein forms R792W, R872W.
Identifiers: ClinVar variation 2079008 (VCV002079008.1), dbSNP rs557480563, ClinGen allele CA2834650.

ClinVar aggregate classification (germline): Uncertain significance (1 of 4 stars; one submission).

Conditions:
Curry-Hall syndrome (WAD). Also called: WEYERS ACRODENTAL DYSOSTOSIS. Identifiers: Orphanet 952, MedGen C0457013, MONDO:0008673, OMIM 193530.
Ellis-van Creveld syndrome (EVC). Also called: EVC2-Related Ellis-van Creveld Syndrome; EVC-Related Ellis-van Creveld Syndrome; Chondroectodermal dysplasia; MESOECTODERMAL DYSPLASIA. Identifiers: Orphanet 289, MedGen C0013903, MONDO:0009162, OMIM 225500.

Allele frequency attached by ClinVar (database versions not stated): TOPMed 0.00006; gnomAD 0.00007; gnomAD exomes 0.00008; ExAC 0.00017; 1000 Genomes Project 30x 0.00031; 1000 Genomes Project 0.00040.
gnomAD v4.1: 134 of 1,614,114 alleles (0.0083%); highest among the groups gnomAD compares: South Asian, 0.11%; no homozygotes.

Submission:

Labcorp Genetics (formerly Invitae), Labcorp
Classification: Uncertain significance for Curry-Hall syndrome; Ellis-van Creveld syndrome. Last evaluated: 2022-03-31. Review status: criteria provided, single submitter. Criteria: Invitae Variant Classification Sherloc (09022015). Collection method: clinical testing. Allele origin: germline.
Comment: This sequence change replaces arginine, which is basic and polar, with tryptophan, which is neutral and slightly polar, at codon 872 of the EVC2 protein (p.Arg872Trp). This variant is present in population databases (rs557480563, gnomAD 0.1%). This missense change has been observed in individual(s) with familial deafness (PMID: 30881389). Algorithms developed to predict the effect of missense changes on protein structure and function are either unavailable or do not agree on the potential impact of this missense change (SIFT: "Deleterious"; PolyPhen-2: "Benign"; Align-GVGD: "Class C0"). In summary, the available evidence is currently insufficient to determine the role of this variant in disease. Therefore, it has been classified as a Variant of Uncertain Significance.

Literature cited by the submitters: PubMed 30881389.